The following is an entry in ClinVar:

ClinVar aggregate classification (germline): Benign/Likely benign. Review status: criteria provided, multiple submitters, no conflicts (2 of 4 stars). 4 submissions from 2 submitters: Benign (3); Likely benign (1). Last evaluated 2021-05-12.

Conditions:
Greig cephalopolysyndactyly syndrome (GCPS). Also called: POLYSYNDACTYLY WITH PECULIAR SKULL SHAPE; Greig syndrome; GLI3-Related Greig Cephalopolysyndactyly Syndrome. Identifiers: Orphanet 380, MedGen C0265306, MONDO:0008287, OMIM 175700.
Pallister-Hall syndrome (PHS). Also called: HYPOTHALAMIC HAMARTOBLASTOMA, HYPOPITUITARISM, IMPERFORATE ANUS, AND POSTAXIAL POLYDACTYLY; GLI3-Related Pallister-Hall Syndrome. Identifiers: Orphanet 672, MedGen C0265220, MONDO:0007804, OMIM 146510.
Polydactyly. Also called: polydactylism. Identifiers: MedGen C0152427, MONDO:0021003, OMIM 603596, HP:0010442.

Allele frequency attached by ClinVar (database versions not stated): 1000 Genomes Project 30x 0.00531; 1000 Genomes Project 0.00639; TOPMed 0.00876; gnomAD 0.00935 and 0.00963; gnomAD exomes 0.02093.

Submissions (4):

GeneDx
Classification: Likely benign. Last evaluated: 2021-05-12. Review status: criteria provided, single submitter. Criteria: GeneDx Variant Classification Process June 2021. Collection method: clinical testing. Allele origin: germline. Affected: yes.

Illumina Laboratory Services, Illumina
Classification: Benign for Pallister-Hall syndrome. Last evaluated: 2018-01-13. Review status: criteria provided, single submitter. Criteria: ICSL Variant Classification Criteria 13 December 2019. Collection method: clinical testing. Allele origin: germline.
Comment: This variant was observed in the ICSL laboratory as part of a predisposition screen in an ostensibly healthy population. It had not been previously curated by ICSL or reported in the Human Gene Mutation Database (HGMD: prior to June 1st, 2018), and was therefore a candidate for classification through an automated scoring system. Utilizing variant allele frequency, disease prevalence and penetrance estimates, and inheritance mode, an automated score was calculated to assess if this variant is too frequent to cause the disease. Based on the score and internal cut-off values, a variant classified as benign is not then subjected to further curation. The score for this variant resulted in a classification of benign for this disease.

Illumina Laboratory Services, Illumina
Classification: Benign for Polydactyly. Last evaluated: 2018-01-13. Review status: criteria provided, single submitter. Criteria: ICSL Variant Classification Criteria 13 December 2019. Collection method: clinical testing. Allele origin: germline.
Comment: the same text as in the submission from Illumina Laboratory Services, Illumina above.

Illumina Laboratory Services, Illumina
Classification: Benign for Greig cephalopolysyndactyly syndrome. Last evaluated: 2018-01-13. Review status: criteria provided, single submitter. Criteria: ICSL Variant Classification Criteria 13 December 2019. Collection method: clinical testing. Allele origin: germline.
Comment: the same text as in the submission from Illumina Laboratory Services, Illumina above.

NM_000168.6(GLI3):c.*3262A>G

Gene: GLI3 (GLI family zinc finger 3; minus strand). Cytogenetic location: 7p14.1.
Variant type: single nucleotide variant.
Coding change: c.*3262A>G on transcript NM_000168.6 (MANE Select); 3262 bases downstream of the stop codon, A replaced by G.
Molecular consequence: 3 prime UTR variant.
Genome position (GRCh38, 1-based): chr7:41,961,068, T>C on the plus strand (A>G on the coding strand, the complement: GLI3 is on the minus strand). VCF-style: chr7-41961068-T-C. GRCh37 (hg19) VCF-style: chr7-42000666-T-C.
Identifiers: ClinVar variation 360158 (VCV000360158.6), dbSNP rs73096902, ClinGen allele CA10629177.
Genomic context (GRCh38, chr7:41,961,068, plus strand): 5'-AAAGGACTAAGTGGTTCTGAAAGCAAAGGTAGAGTTCATCTGTGGCTGGGCTGCAGCCCC[T>C]GGGCTTGAGGTGGGCGTGATCACGGGGAATGCAGGCTTGTCCGAGGAACGCCTGGGCCAG-3'